The following is an entry in ClinVar:

ClinVar aggregate classification (germline): Uncertain significance (1 of 4 stars; one submission).

Conditions:
Neuronal ceroid lipofuscinosis 1 (CLN1). Also called: CEROID LIPOFUSCINOSIS, NEURONAL, 1, VARIABLE AGE AT ONSET; PPT1-Related Neuronal Ceroid-Lipofuscinosis. Identifiers: Orphanet 228329, MedGen C1850451, MONDO:0009744, OMIM 256730.

Allele frequency attached by ClinVar (database versions not stated): gnomAD exomes below 0.00001; TOPMed below 0.00001; gnomAD 0.00001.

Submission:

Labcorp Genetics (formerly Invitae), Labcorp
Classification: Uncertain significance for Neuronal ceroid lipofuscinosis 1. Last evaluated: 2022-07-06. Review status: criteria provided, single submitter. Criteria: Invitae Variant Classification Sherloc (09022015). Collection method: clinical testing. Allele origin: germline.
Comment: In summary, the available evidence is currently insufficient to determine the role of this variant in disease. Therefore, it has been classified as a Variant of Uncertain Significance. Advanced modeling of protein sequence and biophysical properties (such as structural, functional, and spatial information, amino acid conservation, physicochemical variation, residue mobility, and thermodynamic stability) performed at Invitae indicates that this missense variant is expected to disrupt PPT1 protein function. This variant has not been reported in the literature in individuals affected with PPT1-related conditions. This variant is present in population databases (no rsID available, gnomAD 0.007%). This sequence change replaces proline, which is neutral and non-polar, with leucine, which is neutral and non-polar, at codon 48 of the PPT1 protein (p.Pro48Leu).

NM_000310.4(PPT1):c.143C>T (p.Pro48Leu)

Gene: PPT1 (palmitoyl-protein thioesterase 1; minus strand). Cytogenetic location: 1p34.2.
Variant type: single nucleotide variant.
Coding change: c.143C>T on transcript NM_000310.4 (MANE Select); coding-DNA position 143, C replaced by T.
Protein change: p.Pro48Leu; replaces proline 48 with leucine.
Molecular consequence: missense variant. On other transcripts: intron variant (1).
Genome position (GRCh38, 1-based): chr1:40,092,489, G>A on the plus strand (C>T on the coding strand, the complement: PPT1 is on the minus strand). VCF-style: chr1-40092489-G-A. GRCh37 (hg19) VCF-style: chr1-40558161-G-A.
Other names: c.143C>T, p.Pro48Leu (NM_001363695.2); c.125-2977C>T (NM_001142604.2); short protein forms P48L.
Identifiers: ClinVar variation 2088178 (VCV002088178.4), dbSNP rs1232105636, ClinGen allele CA339850117.